The following is an entry in ClinVar:

ClinVar aggregate classification (germline): Uncertain significance. Review status: criteria provided, multiple submitters, no conflicts (2 of 4 stars). 2 submissions from 2 submitters: Uncertain significance (2). Last evaluated 2023-01-12.

Conditions:
Hypertrophic cardiomyopathy. Also called: HYPERTROPHIC MYOCARDIOPATHY. Identifiers: Orphanet 217569, MedGen C0007194, MeSH D002312, MONDO:0005045, HP:0001639.

Submissions (2):

Ambry Genetics
Classification: Uncertain significance. Last evaluated: 2023-01-12. Review status: criteria provided, single submitter. Criteria: Ambry Variant Classification Scheme 2023. Collection method: clinical testing. Allele origin: germline.
Comment: The p.Y92D variant (also known as c.274T>G), located in coding exon 1 of the MYOM1 gene, results from a T to G substitution at nucleotide position 274. The tyrosine at codon 92 is replaced by aspartic acid, an amino acid with highly dissimilar properties. This amino acid position is conserved. In addition, this alteration is predicted to be tolerated by in silico analysis. Since supporting evidence is limited at this time, the clinical significance of this alteration remains unclear.

Labcorp Genetics (formerly Invitae), Labcorp
Classification: Uncertain significance for Hypertrophic cardiomyopathy. Last evaluated: 2022-10-25. Review status: criteria provided, single submitter. Criteria: Invitae Variant Classification Sherloc (09022015). Collection method: clinical testing. Allele origin: germline.
Comment: In summary, the available evidence is currently insufficient to determine the role of this variant in disease. Therefore, it has been classified as a Variant of Uncertain Significance. Algorithms developed to predict the effect of missense changes on protein structure and function (SIFT, PolyPhen-2, Align-GVGD) all suggest that this variant is likely to be tolerated. This variant has not been reported in the literature in individuals affected with MYOM1-related conditions. This variant is not present in population databases (gnomAD no frequency). This sequence change replaces tyrosine, which is neutral and polar, with aspartic acid, which is acidic and polar, at codon 92 of the MYOM1 protein (p.Tyr92Asp).

NM_003803.4(MYOM1):c.274T>G (p.Tyr92Asp)

Gene: MYOM1 (myomesin 1; minus strand). Cytogenetic location: 18p11.31.
Variant type: single nucleotide variant.
Coding change: c.274T>G on transcript NM_003803.4 (MANE Select); coding-DNA position 274, T replaced by G.
Protein change: p.Tyr92Asp; replaces tyrosine 92 with aspartic acid.
Molecular consequence: missense variant.
Genome position (GRCh38, 1-based): chr18:3,214,950, A>C on the plus strand (T>G on the coding strand, the complement: MYOM1 is on the minus strand). VCF-style: chr18-3214950-A-C. GRCh37 (hg19) VCF-style: chr18-3214948-A-C.
Other names: c.274T>G, p.Tyr92Asp (NM_019856.2); short protein forms Y92D.
Identifiers: ClinVar variation 1722157 (VCV001722157.7), dbSNP rs2510750372, ClinGen allele CA401717937.